The following is an entry in ClinVar:

ClinVar aggregate classification (germline): Uncertain significance. Review status: criteria provided, multiple submitters, no conflicts (2 of 4 stars). 3 submissions from 3 submitters: Uncertain significance (3). Last evaluated 2023-08-16.

Conditions:
Hereditary breast ovarian cancer syndrome. Also called: Hereditary breast and ovarian cancer syndrome; Hereditary breast and ovarian cancer; Hereditary breast and ovarian cancer syndrome (HBOC); Breast and ovarian cancer; Hereditary breast and/or ovarian cancer syndrome; BRCA1- and BRCA2-Associated Hereditary Breast and Ovarian Cancer. Identifiers: Orphanet 145, MedGen C0677776, MeSH D061325, MONDO:0003582. Disease mechanism: loss of function.
Hereditary cancer-predisposing syndrome. Also called: Neoplastic Syndromes, Hereditary; Tumor predisposition; Hereditary neoplastic syndrome; Hereditary Cancer Syndrome. Identifiers: Orphanet 140162, MedGen C0027672, MeSH D009386, MONDO:0015356.

Submissions (3):

Labcorp Genetics (formerly Invitae), Labcorp
Classification: Uncertain significance for Hereditary breast ovarian cancer syndrome. Last evaluated: 2023-08-16. Review status: criteria provided, single submitter. Criteria: Invitae Variant Classification Sherloc (09022015). Collection method: clinical testing. Allele origin: germline.
Comment: This sequence change replaces isoleucine, which is neutral and non-polar, with methionine, which is neutral and non-polar, at codon 2344 of the BRCA2 protein (p.Ile2344Met). This variant is not present in population databases (gnomAD no frequency). This variant has not been reported in the literature in individuals affected with BRCA2-related conditions. ClinVar contains an entry for this variant (Variation ID: 826788). Advanced modeling of protein sequence and biophysical properties (such as structural, functional, and spatial information, amino acid conservation, physicochemical variation, residue mobility, and thermodynamic stability) performed at Invitae indicates that this missense variant is not expected to disrupt BRCA2 protein function. In summary, the available evidence is currently insufficient to determine the role of this variant in disease. Therefore, it has been classified as a Variant of Uncertain Significance.

Ambry Genetics
Classification: Uncertain significance for Hereditary cancer-predisposing syndrome. Last evaluated: 2019-11-18. Review status: criteria provided, single submitter. Criteria: Ambry Variant Classification Scheme 2023. Collection method: clinical testing. Allele origin: germline.
Comment: The p.I2344M variant (also known as c.7032A>G), located in coding exon 13 of the BRCA2 gene, results from an A to G substitution at nucleotide position 7032. The isoleucine at codon 2344 is replaced by methionine, an amino acid with highly similar properties. This amino acid position is not well conserved in available vertebrate species. In addition, this alteration is predicted to be tolerated by in silico analysis. Since supporting evidence is limited at this time, the clinical significance of this alteration remains unclear.

Color Diagnostics, LLC DBA Color Health
Classification: Uncertain significance for Hereditary cancer-predisposing syndrome. Last evaluated: 2019-06-08. Review status: criteria provided, single submitter. Criteria: ACMG Guidelines, 2015. Collection method: clinical testing. Allele origin: germline.

NM_000059.4(BRCA2):c.7032A>G (p.Ile2344Met)

Gene: BRCA2 (BRCA2 DNA repair associated; plus strand). Cytogenetic location: 13q13.1.
Variant type: single nucleotide variant.
Coding change: c.7032A>G on transcript NM_000059.4 (MANE Select); coding-DNA position 7032, A replaced by G.
Protein change: p.Ile2344Met; replaces isoleucine 2344 with methionine.
Molecular consequence: missense variant.
Genome position (GRCh38, 1-based): chr13:32,354,885, A>G. VCF-style: chr13-32354885-A-G. GRCh37 (hg19) VCF-style: chr13-32929022-A-G.
Other names: short protein forms I2344M.
Identifiers: ClinVar variation 826788 (VCV000826788.9), dbSNP rs1593917622, ClinGen allele CA387738112.